The following is an entry in ClinVar:

ClinVar aggregate classification (germline): Conflicting classifications of pathogenicity. Review status: criteria provided, conflicting classifications (1 of 4 stars). 7 submissions from 7 submitters: Pathogenic (1); Likely pathogenic (4); Uncertain significance (2). Last evaluated 2025-07-17.

Conditions:
Hereditary cancer-predisposing syndrome. Also called: Hereditary Cancer Syndrome; Tumor predisposition; Hereditary neoplastic syndrome; Neoplastic Syndromes, Hereditary. Identifiers: Orphanet 140162, MedGen C0027672, MeSH D009386, MONDO:0015356.
Cardiovascular phenotype. Identifiers: MedGen CN230736.
NF1-related disorder. Also called: NF1-related condition. Identifiers: MedGen CN379171.
Neurofibromatosis, type 1 (NF1). Also called: NEUROFIBROMATOSIS, TYPE I, SOMATIC; VON RECKLINGHAUSEN DISEASE; Peripheral type neurofibromatosis; Neurofibromatosis, type I. Identifiers: Orphanet 636, MedGen C0027831, MONDO:0018975, OMIM 162200. Disease mechanism: loss of function.

Submissions (7):

GeneDx
Classification: Likely pathogenic. Last evaluated: 2025-07-17. Review status: criteria provided, single submitter. Criteria: GeneDx Variant Classification Process June 2021. Collection method: clinical testing. Allele origin: germline. Affected: yes.
Comment: Observed in an individual with a diagnosis or clinical suspicion of neurofibromatosis type 1 (PMID: 24789688); In silico analysis supports that this missense variant has a deleterious effect on protein structure/function; Not observed at significant frequency in large population cohorts (gnomAD); This variant is associated with the following publications: (PMID: Martorana2022[CaseReport], 25486365, 2121369, 24789688, 37605180)

PreventionGenetics, part of Exact Sciences
Classification: Likely pathogenic for NF1-related condition. Last evaluated: 2025-05-09. Review status: criteria provided, single submitter. Criteria: ACMG Guidelines, 2015. Collection method: clinical testing. Allele origin: germline.
Comment: The NF1 c.3104T>C variant is predicted to result in the amino acid substitution p.Met1035Thr. This variant has been reported in an individual with neurofibromatosis 1 (Xu et al. 2014. PubMed ID: 24789688) and in an individual from a cohort of patients with short stature (Zhao et al. 2023. PubMed ID: 37605180). This variant has not been reported in a large population database (gnomAD), indicating this variant is rare. Of note, other variants impacting the same amino acid (p.Met1035Lys and p.Met1035Arg) have been documented in individuals with NF1-related disorder (Abdel-Aziz et al. 2021. PubMed ID: 34080803; Wu et al. 1996. PubMed ID: 8807336). Based on this evidence, we interpret the c.3104T>C (p.Met1035Thr) variant as likely pathogenic.

Variantyx, Inc.
Classification: Likely pathogenic for Neurofibromatosis, type 1. Last evaluated: 2025-04-06. Review status: criteria provided, single submitter. Criteria: Variantyx Assertion Criteria 2022. Collection method: clinical testing. Allele origin: germline. Inheritance: Autosomal dominant inheritance. Affected: yes.
Comment: This is a nonsynonymous variant in the NF1 gene (OMIM: 613113). Pathogenic variants in this gene have been associated with autosomal dominant neurofibromatosis type 1. This variant has been reported in at least 2 affected individuals (PMID: 24789688, Invitae) (PS4). Multiple computational algorithms predict a deleterious effect for this variant (REVEL score: 0.835) (PP3), and an alternate amino acid change at this position (p.Met1035Arg) has been previously reported in similarly affected individuals, which suggests that this residue is biologically important (PM5). This variant has a 0.00007% maximum allele frequency in non-founder control populations (PM2). Based on the current evidence, this variant is classified as likely pathogenic for autosomal dominant neurofibromatosis type 1.

Labcorp Genetics (formerly Invitae), Labcorp
Classification: Pathogenic for Neurofibromatosis, type 1. Last evaluated: 2024-06-25. Review status: criteria provided, single submitter. Criteria: Invitae Variant Classification Sherloc (09022015). Collection method: clinical testing. Allele origin: germline.
Comment: This sequence change replaces methionine, which is neutral and non-polar, with threonine, which is neutral and polar, at codon 1035 of the NF1 protein (p.Met1035Thr). This variant is not present in population databases (gnomAD no frequency). This missense change has been observed in individual(s) with a clinical diagnosis or suspicion of neurofibromatosis type 1 (PMID: 24789688; Invitae). ClinVar contains an entry for this variant (Variation ID: 431618). Advanced modeling of protein sequence and biophysical properties (such as structural, functional, and spatial information, amino acid conservation, physicochemical variation, residue mobility, and thermodynamic stability) performed at Invitae indicates that this missense variant is expected to disrupt NF1 protein function with a positive predictive value of 95%. This variant disrupts the p.Met1035 amino acid residue in NF1. Other variant(s) that disrupt this residue have been determined to be pathogenic (Invitae). This suggests that this residue is clinically significant, and that variants that disrupt this residue are likely to be disease-causing. For these reasons, this variant has been classified as Pathogenic.

Ambry Genetics
Classification: Uncertain significance for Cardiovascular phenotype; Hereditary cancer-predisposing syndrome. Last evaluated: 2023-06-07. Review status: criteria provided, single submitter. Criteria: Ambry Variant Classification Scheme 2023. Collection method: clinical testing. Allele origin: germline.
Comment: The p.M1035T variant (also known as c.3104T>C), located in coding exon 23 of the NF1 gene, results from a T to C substitution at nucleotide position 3104. The variant has been reported in an individual with a clinical diagnosis or suspicion of neurofibromatosis type 1 (Xu W et al. Int J Mol Med, 2014 Jul;34:53-60). The methionine at codon 1035 is replaced by threonine, an amino acid with similar properties. This amino acid position is highly conserved in available vertebrate species. In addition, the in silico prediction for this alteration is inconclusive. Since supporting evidence is limited at this time, the clinical significance of this alteration remains unclear.

Medical Genetics, University of Parma
Classification: Likely pathogenic for Neurofibromatosis, type 1. Last evaluated: 2022-08-17. Review status: criteria provided, single submitter. Criteria: ACMG Guidelines, 2015. Collection method: clinical testing. Allele origin: germline. Inheritance: Autosomal dominant inheritance. Affected: yes.

Genome-Nilou Lab
Classification: Uncertain significance for Neurofibromatosis, type 1. Last evaluated: 2022-03-15. Review status: criteria provided, single submitter. Criteria: ACMG Guidelines, 2015. Collection method: clinical testing. Allele origin: germline. Affected: no.

Literature cited by the submitters: PubMed 24789688 (cited by Variantyx, Inc. and Labcorp Genetics (formerly Invitae), Labcorp).

NM_001042492.3(NF1):c.3104T>C (p.Met1035Thr)

Gene: NF1 (neurofibromin 1; plus strand). Cytogenetic location: 17q11.2.
Variant type: single nucleotide variant.
Coding change: c.3104T>C on transcript NM_001042492.3 (MANE Select); coding-DNA position 3104, T replaced by C.
Protein change: p.Met1035Thr; replaces methionine 1035 with threonine.
Molecular consequence: missense variant.
Genome position (GRCh38, 1-based): chr17:31,230,373, T>C. VCF-style: chr17-31230373-T-C. GRCh37 (hg19) VCF-style: chr17-29557391-T-C.
Other names: c.3104T>C, p.Met1035Thr (NM_000267.4); short protein forms M1035T.
Identifiers: ClinVar variation 431618 (VCV000431618.16), dbSNP rs137854553, ClinGen allele CA398987688.